The following is an entry in ClinVar:

NM_021831.6(AGBL5):c.2348G>A (p.Arg783Gln)

Gene: AGBL5 (AGBL carboxypeptidase 5; plus strand). Cytogenetic location: 2p23.3.
Variant type: single nucleotide variant.
Coding change: c.2348G>A on transcript NM_021831.6 (MANE Select); coding-DNA position 2348, G replaced by A.
Protein change: p.Arg783Gln; replaces arginine 783 with glutamine.
Molecular consequence: missense variant. On other transcripts: non-coding transcript variant (2).
Genome position (GRCh38, 1-based): chr2:27,068,737, G>A. VCF-style: chr2-27068737-G-A. GRCh37 (hg19) VCF-style: chr2-27291605-G-A.
Other names: short protein forms R783Q.
Identifiers: ClinVar variation 1035530 (VCV001035530.9), dbSNP rs781286009, ClinGen allele CA1568192.

ClinVar aggregate classification (germline): Uncertain significance. Review status: criteria provided, multiple submitters, no conflicts (2 of 4 stars). 3 submissions from 3 submitters: Uncertain significance (2). 1 of the submissions does not count toward it. Last evaluated 2025-04-18.

Conditions:
Retinal dystrophy. Also called: Inherited retinal dystrophy. Identifiers: Orphanet 71862, MedGen C0854723, MeSH D058499, MONDO:0019118, HP:0000556.

Allele frequency attached by ClinVar (database versions not stated): ExAC 0.00001; gnomAD 0.00001; gnomAD exomes 0.00002 and 0.00003; TOPMed 0.00002.
gnomAD v4.1: 27 of 1,613,880 alleles (0.0017%); highest among the groups gnomAD compares: Admixed American, 0.015%; no homozygotes.

Submissions (3):

Labcorp Genetics (formerly Invitae), Labcorp
Classification: Uncertain significance. Last evaluated: 2025-04-18. Review status: criteria provided, single submitter. Criteria: Invitae Variant Classification Sherloc (09022015). Collection method: clinical testing. Allele origin: germline.
Comment: This sequence change replaces arginine, which is basic and polar, with glutamine, which is neutral and polar, at codon 783 of the AGBL5 protein (p.Arg783Gln). This variant is present in population databases (rs781286009, gnomAD 0.01%). This variant has not been reported in the literature in individuals affected with AGBL5-related conditions. ClinVar contains an entry for this variant (Variation ID: 1035530). An algorithm developed to predict the effect of missense changes on protein structure and function outputs the following: PolyPhen-2: "Benign". The glutamine amino acid residue is found in multiple mammalian species, which suggests that this missense change does not adversely affect protein function. In summary, the available evidence is currently insufficient to determine the role of this variant in disease. Therefore, it has been classified as a Variant of Uncertain Significance.

Blueprint Genetics
Classification: Uncertain significance. Last evaluated: 2023-10-23. Review status: criteria provided, single submitter. Criteria: ACMG Guidelines, 2015. Collection method: clinical testing. Allele origin: germline.

Institute of Human Genetics, Univ. Regensburg, Univ. Regensburg
Classification: Uncertain significance for Retinal dystrophy. Last evaluated: 2023-01-01. Review status: no assertion criteria provided. Criteria: ACMG Guidelines, 2015. Collection method: clinical testing. Allele origin: germline. Affected: yes. Not counted in ClinVar's aggregate classification.